The following is an entry in ClinVar:

NM_001040108.2(MLH3):c.2305G>T (p.Asp769Tyr)

Gene: MLH3 (mutL homolog 3; minus strand). Cytogenetic location: 14q24.3.
Variant type: single nucleotide variant.
Coding change: c.2305G>T on transcript NM_001040108.2 (MANE Select); coding-DNA position 2305, G replaced by T.
Protein change: p.Asp769Tyr; replaces aspartic acid 769 with tyrosine.
Molecular consequence: missense variant.
Genome position (GRCh38, 1-based): chr14:75,047,351, C>A on the plus strand (G>T on the coding strand, the complement: MLH3 is on the minus strand). VCF-style: chr14-75047351-C-A. GRCh37 (hg19) VCF-style: chr14-75514054-C-A.
Other names: c.2305G>T, p.Asp769Tyr (NM_014381.3); short protein forms D769Y.
Identifiers: ClinVar variation 4860235 (VCV004860235.1).

ClinVar aggregate classification (germline): Uncertain significance (1 of 4 stars; one submission).

Submission:

Ambry Genetics
Classification: Uncertain significance. Last evaluated: 2026-06-09. Review status: criteria provided, single submitter. Criteria: Ambry Variant Classification Scheme 2023. Collection method: clinical testing. Allele origin: germline.
Comment: The p.D769Y variant (also known as c.2305G>T), located in coding exon 1 of the MLH3 gene, results from a G to T substitution at nucleotide position 2305. The aspartic acid at codon 769 is replaced by tyrosine, an amino acid with highly dissimilar properties. This amino acid position is conserved. In addition, this alteration is predicted to be tolerated by in silico analysis. Based on the available evidence, the clinical significance of this variant remains unclear.